The following is an entry in ClinVar:

ClinVar aggregate classification (germline): Uncertain significance (1 of 4 stars; one submission).

gnomAD v4.1: 6 of 1,613,744 alleles (0.00037%); highest among the groups gnomAD compares: Middle Eastern, 0.016%; no homozygotes.

Submission:

CeGaT Center for Human Genetics Tuebingen
Classification: Uncertain significance. Last evaluated: 2025-09-01. Review status: criteria provided, single submitter. Criteria: CeGaT Center For Human Genetics Tuebingen Variant Classification Criteria Version 2. Collection method: clinical testing. Allele origin: germline. Affected: yes. Observed: 1 variant allele.
Comment: DHX37: PM2, BP4

NM_032656.4(DHX37):c.1294-5C>T

Gene: DHX37 (DEAH-box helicase 37; minus strand). Cytogenetic location: 12q24.31.
Variant type: single nucleotide variant.
Coding change: c.1294-5C>T on transcript NM_032656.4 (MANE Select); 5 bases into the intron before coding-DNA position 1294, C replaced by T.
Molecular consequence: intron variant.
Genome position (GRCh38, 1-based): chr12:124,968,653, G>A on the plus strand (C>T on the coding strand, the complement: DHX37 is on the minus strand). VCF-style: chr12-124968653-G-A. GRCh37 (hg19) VCF-style: chr12-125453199-G-A.
Identifiers: ClinVar variation 4281423 (VCV004281423.7).